The following is an entry in ClinVar:

NM_000642.3(AGL):c.1555T>G (p.Tyr519Asp)

Gene: AGL (amylo-alpha-1,6-glucosidase and 4-alpha-glucanotransferase; plus strand). Cytogenetic location: 1p21.2.
Variant type: single nucleotide variant.
Coding change: c.1555T>G on transcript NM_000642.3 (MANE Select); coding-DNA position 1555, T replaced by G.
Protein change: p.Tyr519Asp; replaces tyrosine 519 with aspartic acid.
Molecular consequence: missense variant.
Genome position (GRCh38, 1-based): chr1:99,877,772, T>G. VCF-style: chr1-99877772-T-G. GRCh37 (hg19) VCF-style: chr1-100343328-T-G.
Other names: c.1555T>G, p.Tyr519Asp (NM_000643.3, NM_000644.3, NM_000028.3 and 2 more transcripts); c.1507T>G, p.Tyr503Asp (NM_000646.3); c.1354T>G, p.Tyr452Asp (NM_001425327.1); c.1351T>G, p.Tyr451Asp (NM_001425328.1, NM_001425329.1); c.1177T>G, p.Tyr393Asp (NM_001425332.1); short protein forms Y503D, Y519D, Y393D, Y451D, Y452D.
Identifiers: ClinVar variation 1021467 (VCV001021467.10), dbSNP rs1651672111, ClinGen allele CA341314769.

ClinVar aggregate classification (germline): Uncertain significance. Review status: criteria provided, single submitter (1 of 4 stars). 2 submissions from 2 submitters: Uncertain significance (1). 1 of the submissions does not count toward it. Last evaluated 2021-09-01.

Conditions:
Glycogen storage disease type III (GSD3). Also called: Cori disease; FORBES DISEASE. Identifiers: Orphanet 366, MedGen C0017922, MONDO:0009291, OMIM 232400.

Submissions (2):

Labcorp Genetics (formerly Invitae), Labcorp
Classification: Uncertain significance for Glycogen storage disease type III. Last evaluated: 2021-09-01. Review status: criteria provided, single submitter. Criteria: Invitae Variant Classification Sherloc (09022015). Collection method: clinical testing. Allele origin: germline.
Comment: This sequence change replaces tyrosine with aspartic acid at codon 519 of the AGL protein (p.Tyr519Asp). The tyrosine residue is weakly conserved and there is a large physicochemical difference between tyrosine and aspartic acid. This variant is not present in population databases (ExAC no frequency). This variant has not been reported in the literature in individuals affected with AGL-related conditions. Algorithms developed to predict the effect of missense changes on protein structure and function (SIFT, PolyPhen-2, Align-GVGD) all suggest that this variant is likely to be tolerated. In summary, the available evidence is currently insufficient to determine the role of this variant in disease. Therefore, it has been classified as a Variant of Uncertain Significance.

Natera, Inc.
Classification: Uncertain significance for Glycogen storage disease type III. Last evaluated: 2020-10-29. Review status: no assertion criteria provided. Collection method: clinical testing. Allele origin: germline. Not counted in ClinVar's aggregate classification.